The following is an entry in ClinVar:

ClinVar aggregate classification (germline): Likely benign (1 of 4 stars; one submission).

Allele frequency attached by ClinVar (database versions not stated): gnomAD exomes 0.00008 and 0.00016; gnomAD 0.00009; TOPMed 0.00010; ExAC 0.00012; ESP Exome Variant Server 0.00032.

Submission:

GeneDx
Classification: Likely benign. Last evaluated: 2017-12-04. Review status: criteria provided, single submitter. Criteria: GeneDx Variant Classification (06012015). Collection method: clinical testing. Allele origin: germline. Affected: yes.
Comment: This variant is considered likely benign or benign based on one or more of the following criteria: it is a conservative change, it occurs at a poorly conserved position in the protein, it is predicted to be benign by multiple in silico algorithms, and/or has population frequency not consistent with disease.

NM_003672.4(CDC14A):c.-14del

Gene: CDC14A (cell division cycle 14A; plus strand). Cytogenetic location: 1p21.2.
Variant type: Deletion.
Coding change: c.-14del on transcript NM_003672.4 (MANE Select); 14 bases upstream of the start codon, one base deleted (G; older notation c.-14delG).
Molecular consequence: 5 prime UTR variant. On other transcripts: intron variant (1).
Genome position (GRCh38, 1-based): chr1:100,352,941, G deleted. VCF-style (leftmost placement, unchanged base first): chr1-100352940-CG-C. GRCh37 (hg19) VCF-style: chr1-100818496-CG-C.
Other names: c.-14del (NM_001319210.2, NM_033312.3, NM_033313.3); c.-805del (NM_001319212.2); c.-125-821del (NM_001319211.2).
Identifiers: ClinVar variation 513742 (VCV000513742.1), dbSNP rs772443286, ClinGen allele CA970380.